The following is an entry in ClinVar:

ClinVar aggregate classification (germline): Uncertain significance (1 of 4 stars; one submission).

Allele frequency attached by ClinVar (database versions not stated): gnomAD exomes 0.00001; gnomAD 0.00002; TOPMed 0.00002; ESP Exome Variant Server 0.00008.
gnomAD v4.1: 11 of 1,613,572 alleles (0.00068%); highest among the groups gnomAD compares: Non-Finnish European, 0.00085%; no homozygotes.

Submission:

Labcorp Genetics (formerly Invitae), Labcorp
Classification: Uncertain significance. Last evaluated: 2025-05-24. Review status: criteria provided, single submitter. Criteria: Invitae Variant Classification Sherloc (09022015). Collection method: clinical testing. Allele origin: germline.
Comment: This sequence change replaces methionine, which is neutral and non-polar, with valine, which is neutral and non-polar, at codon 836 of the AP3D1 protein (p.Met836Val). This variant is present in population databases (rs377694853, gnomAD 0.002%). This variant has not been reported in the literature in individuals affected with AP3D1-related conditions. ClinVar contains an entry for this variant (Variation ID: 1501386). An algorithm developed to predict the effect of missense changes on protein structure and function outputs the following: PolyPhen-2: "Benign". The valine amino acid residue is found in multiple mammalian species, which suggests that this missense change does not adversely affect protein function. In summary, the available evidence is currently insufficient to determine the role of this variant in disease. Therefore, it has been classified as a Variant of Uncertain Significance.

NM_001261826.3(AP3D1):c.2506A>G (p.Met836Val)

Gene: AP3D1 (adaptor related protein complex 3 subunit delta 1; minus strand). Cytogenetic location: 19p13.3.
Variant type: single nucleotide variant.
Coding change: c.2506A>G on transcript NM_001261826.3 (MANE Select); coding-DNA position 2506, A replaced by G.
Protein change: p.Met836Val; replaces methionine 836 with valine.
Molecular consequence: missense variant.
Genome position (GRCh38, 1-based): chr19:2,114,220, T>C on the plus strand (A>G on the coding strand, the complement: AP3D1 is on the minus strand). VCF-style: chr19-2114220-T-C. GRCh37 (hg19) VCF-style: chr19-2114219-T-C.
Other names: c.2506A>G, p.Met836Val (NM_001374799.1, NM_003938.8); short protein forms M836V.
Identifiers: ClinVar variation 1501386 (VCV001501386.8), dbSNP rs377694853, ClinGen allele CA304153317.